The following is an entry in ClinVar:

NM_004036.5(ADCY3):c.1481C>T (p.Ala494Val)

Gene: ADCY3 (adenylate cyclase 3; minus strand). Cytogenetic location: 2p23.3.
Variant type: single nucleotide variant.
Coding change: c.1481C>T on transcript NM_004036.5 (MANE Select); coding-DNA position 1481, C replaced by T.
Protein change: p.Ala494Val; replaces alanine 494 with valine.
Molecular consequence: missense variant.
Genome position (GRCh38, 1-based): chr2:24,838,497, G>A on the plus strand (C>T on the coding strand, the complement: ADCY3 is on the minus strand). VCF-style: chr2-24838497-G-A. GRCh37 (hg19) VCF-style: chr2-25061366-G-A.
Other names: c.1481C>T, p.Ala494Val (NM_001320613.2, NM_001377129.1, NM_001377130.1 and 1 more transcripts); c.1547C>T, p.Ala516Val (NM_001377128.1); c.758C>T, p.Ala253Val (NM_001377131.1); short protein forms A253V, A494V, A516V.
Identifiers: ClinVar variation 3354594 (VCV003354594.1).
Genomic context (GRCh38, chr2:24,838,497, plus strand): 5'-GAACTCACCGAGCCATTGAGGCCATTCTGGGTGGCTGTTTTCTTCACCTCTGGCTTGGAG[G>A]CAATGATGAGGTAGGTTTCAATACCCTTCTCTTCTAGGTAATCACAGCGGCTGCCCCCAT-3'
Protein context (NP_004027.2, residues 484-504): EKGIETYLII[Ala494Val]SKPEVKKTAT

ClinVar aggregate classification (germline): Uncertain significance (0 of 4 stars; one submission).

Conditions:
ADCY3-related disorder. Also called: ADCY3-related condition.

gnomAD v4.1: 9 of 1,613,910 alleles (0.00056%); highest among the groups gnomAD compares: Non-Finnish European, 0.00068%; no homozygotes.

Submission:

PreventionGenetics, part of Exact Sciences
Classification: Uncertain significance for ADCY3-related condition. Last evaluated: 2024-05-13. Review status: no assertion criteria provided. Collection method: clinical testing. Allele origin: germline.
Comment: The ADCY3 c.1481C>T variant is predicted to result in the amino acid substitution p.Ala494Val. This variant was reported in individuals with Autism (Turner et al 2019. PubMed ID: 31785789; Zhou X et al 2022. PubMed ID: 35982159; Fu JM et al 2022. PubMed ID: 35982160). This variant is reported in 0.0033% of alleles in individuals of South Asian descent in gnomAD. At this time, the clinical significance of this variant is uncertain due to the absence of conclusive functional and genetic evidence.